The following is an entry in ClinVar:

ClinVar aggregate classification (germline): Likely benign (1 of 4 stars; one submission).

Allele frequency attached by ClinVar (database versions not stated): gnomAD 0.00007; ExAC 0.00009; ESP Exome Variant Server 0.00015; 1000 Genomes Project 30x 0.00016; gnomAD exomes 0.00017; TOPMed 0.00018; 1000 Genomes Project 0.00020.
gnomAD v4.1: 260 of 1,613,754 alleles (0.016%); highest among the groups gnomAD compares: East Asian, 0.056%; 1 homozygote.

Submission:

CeGaT Center for Human Genetics Tuebingen
Classification: Likely benign. Last evaluated: 2022-07-01. Review status: criteria provided, single submitter. Criteria: CeGaT Center For Human Genetics Tuebingen Variant Classification Criteria Version 2. Collection method: clinical testing. Allele origin: germline. Affected: yes. Observed: 1 variant allele.
Comment: GDPD5: BP4, BP7

NM_030792.8(GDPD5):c.1545C>T (p.Phe515=)

Gene: GDPD5 (glycerophosphodiester phosphodiesterase domain containing 5; minus strand). Cytogenetic location: 11q13.4.
Variant type: single nucleotide variant.
Coding change: c.1545C>T on transcript NM_030792.8 (MANE Select); coding-DNA position 1545, C replaced by T.
Protein change: p.Phe515=; no amino-acid change (phenylalanine 515 retained).
Molecular consequence: synonymous variant.
Genome position (GRCh38, 1-based): chr11:75,439,890, G>A on the plus strand (C>T on the coding strand, the complement: GDPD5 is on the minus strand). VCF-style: chr11-75439890-G-A. GRCh37 (hg19) VCF-style: chr11-75150935-G-A.
Other names: c.1131C>T, p.Phe377= (NM_001351167.2); c.810C>T, p.Phe270= (NM_001351168.1).
Identifiers: ClinVar variation 2642157 (VCV002642157.24), dbSNP rs368415075, ClinGen allele CA6190121.